The following is an entry in ClinVar:

NM_000540.3(RYR1):c.12818_12838del (p.Glu4273_Ala4279del)

Gene: RYR1 (ryanodine receptor 1; plus strand). Cytogenetic location: 19q13.2.
Variant type: Deletion.
Coding change: c.12818_12838del on transcript NM_000540.3 (MANE Select); coding-DNA positions 12818 to 12838, 21 bases deleted (AAGGCGCGGAGGAGGGCGCGG).
Protein change: p.Glu4273_Ala4279del.
Molecular consequence: inframe deletion.
Genome position (GRCh38, 1-based): chr19:38,565,152-38,565,172, AAGGCGCGGAGGAGGGCGCGG deleted; deleting any 21 consecutive bases within chr19:38,565,144-38,565,172 gives the same sequence; the c. name uses the placement nearest the transcript's 3' end. VCF-style (leftmost placement, unchanged base first): chr19-38565143-CGGGCGCGGAAGGCGCGGAGGA-C. GRCh37 (hg19) VCF-style: chr19-39055783-CGGGCGCGGAAGGCGCGGAGGA-C.
Other names: c.12803_12823del, p.Glu4268_Ala4274del (NM_001042723.2).
Identifiers: ClinVar variation 841015 (VCV000841015.9), dbSNP rs1973335544, ClinGen allele CA916082459.

ClinVar aggregate classification (germline): Uncertain significance (1 of 4 stars; one submission).

Conditions:
RYR1-related disorder. Also called: RYR1-related disorders; RYR1-related condition. Identifiers: MedGen CN239331.

Submission:

Labcorp Genetics (formerly Invitae), Labcorp
Classification: Uncertain significance for RYR1-related disorder. Last evaluated: 2025-11-24. Review status: criteria provided, single submitter. Criteria: Invitae Variant Classification Sherloc (09022015). Collection method: clinical testing. Allele origin: germline.
Comment: This variant, c.12818_12838del, results in the deletion of 7 amino acid(s) of the RYR1 protein (p.Glu4273_Ala4279del), but otherwise preserves the integrity of the reading frame. This variant is not present in population databases (gnomAD no frequency). This variant has not been reported in the literature in individuals affected with RYR1-related conditions. ClinVar contains an entry for this variant (Variation ID: 841015). Experimental studies and prediction algorithms are not available or were not evaluated, and the functional significance of this variant is currently unknown. In summary, the available evidence is currently insufficient to determine the role of this variant in disease. Therefore, it has been classified as a Variant of Uncertain Significance.